The following is an entry in ClinVar:

NM_000748.3(CHRNB2):c.1111_1118del (p.Glu371fs)

Gene: CHRNB2 (cholinergic receptor nicotinic beta 2 subunit; plus strand). Cytogenetic location: 1q21.3.
Variant type: Deletion.
Coding change: c.1111_1118del on transcript NM_000748.3 (MANE Select); coding-DNA positions 1111 to 1118, 8 bases deleted (GAGGGCGC; older notation c.1111_1118delGAGGGCGC).
Protein change: p.Glu371fs; shifts the reading frame from glutamic acid 371.
Molecular consequence: frameshift variant.
Genome position (GRCh38, 1-based): chr1:154,571,934-154,571,941, GAGGGCGC deleted; deleting any 8 consecutive bases within chr1:154,571,930-154,571,941 gives the same sequence; the c. name uses the placement nearest the transcript's 3' end. VCF-style (leftmost placement, unchanged base first): chr1-154571929-AGCGCGAGG-A. GRCh37 (hg19) VCF-style: chr1-154544405-AGCGCGAGG-A.
Other names: short protein forms E371fs.
Identifiers: ClinVar variation 1912617 (VCV001912617.6), dbSNP rs1696175721, ClinGen allele CA2480925440.

ClinVar aggregate classification (germline): Uncertain significance. Review status: criteria provided, multiple submitters, no conflicts (2 of 4 stars). 2 submissions from 2 submitters: Uncertain significance (2). Last evaluated 2023-02-07.

Conditions:
Familial sleep-related hypermotor epilepsy. Also called: Autosomal Dominant Sleep-Related Hypermotor (Hyperkinetic) Epilepsy. Identifiers: Orphanet 98784, MedGen C3696898, MONDO:0000030.
Autosomal dominant nocturnal frontal lobe epilepsy 3. Also called: CHRNB2-Related Nocturnal Frontal Lobe Epilepsy, Autosomal Dominant. Identifiers: Orphanet 98784, MedGen C1854335, MONDO:0011545, OMIM 605375.

Submissions (2):

Department of Pathology and Laboratory Medicine, Sinai Health System
Classification: Uncertain significance for Autosomal dominant nocturnal frontal lobe epilepsy 3. Last evaluated: 2023-02-07. Review status: criteria provided, single submitter. Criteria: ACMG Guidelines, 2015. Collection method: research. Allele origin: germline.

Labcorp Genetics (formerly Invitae), Labcorp
Classification: Uncertain significance. Last evaluated: 2022-06-18. Review status: criteria provided, single submitter. Criteria: Invitae Variant Classification Sherloc (09022015). Collection method: clinical testing. Allele origin: germline.
Comment: In summary, the available evidence is currently insufficient to determine the role of this variant in disease. Therefore, it has been classified as a Variant of Uncertain Significance. This variant has not been reported in the literature in individuals affected with CHRNB2-related conditions. This variant is not present in population databases (gnomAD no frequency). This sequence change creates a premature translational stop signal (p.Glu371Trpfs*33) in the CHRNB2 gene. It is expected to result in an absent or disrupted protein product. However, the current clinical and genetic evidence is not sufficient to establish whether loss-of-function variants in CHRNB2 cause disease.